The following is an entry in ClinVar:

ClinVar aggregate classification (germline): Likely benign. Review status: criteria provided, multiple submitters, no conflicts (2 of 4 stars). 2 submissions from 2 submitters: Likely benign (2). Last evaluated 2024-07-12.

Conditions:
Nemaline myopathy 2 (NEM2). Also called: Nemaline myopathy 2, autosomal recessive. Identifiers: MedGen C1850569, MONDO:0009725, OMIM 256030.

Submissions (2):

Labcorp Genetics (formerly Invitae), Labcorp
Classification: Likely benign for Nemaline myopathy 2. Last evaluated: 2024-07-12. Review status: criteria provided, single submitter. Criteria: Invitae Variant Classification Sherloc (09022015). Collection method: clinical testing. Allele origin: germline.

GeneDx
Classification: Likely benign. Last evaluated: 2016-05-26. Review status: criteria provided, single submitter. Criteria: GeneDx Variant Classification (06012015). Collection method: clinical testing. Allele origin: germline. Affected: yes.
Comment: This variant is considered likely benign or benign based on one or more of the following criteria: it is a conservative change, it occurs at a poorly conserved position in the protein, it is predicted to be benign by multiple in silico algorithms, and/or has population frequency not consistent with disease.

NM_001164508.2(NEB):c.2106+11del

Gene: NEB (nebulin; minus strand). Cytogenetic location: 2q23.3.
Variant type: Deletion.
Coding change: c.2106+11del on transcript NM_001164508.2 (MANE Select); 11 bases into the intron after coding-DNA position 2106, one base deleted (A; older notation c.2106+11delA).
Molecular consequence: intron variant.
Genome position (GRCh38, 1-based): chr2:151,692,048, T deleted on the plus strand (A on the coding strand, the reverse complement: NEB is on the minus strand); the first of 2 consecutive T bases (chr2:151,692,048-151,692,049); deleting either gives the same sequence. VCF-style (leftmost placement, unchanged base first): chr2-151692047-CT-C. GRCh37 (hg19) VCF-style: chr2-152548561-CT-C.
Other names: c.2106+11del (NM_004543.5, NM_001164507.2, NM_001271208.2); c.2106+11delA (NM_001271208.1).
Identifiers: ClinVar variation 421153 (VCV000421153.8), dbSNP rs1064794944, ClinGen allele CA16617248.